The following is an entry in ClinVar:

ClinVar aggregate classification (germline): Likely benign. Review status: criteria provided, multiple submitters, no conflicts (2 of 4 stars). 3 submissions from 3 submitters: Likely benign (3). Last evaluated 2025-01-01.

Conditions:
Inborn genetic diseases. Identifiers: MedGen C0950123, MeSH D030342.
Fanconi anemia (FA). Also called: Fanconi's anemia. Identifiers: Orphanet 84, MedGen C0015625, MeSH D005199, MONDO:0019391.

gnomAD v4.1: 6 of 1,613,946 alleles (0.00037%); highest among the groups gnomAD compares: Non-Finnish European, 0.00051%; no homozygotes.

Submissions (3):

CeGaT Center for Human Genetics Tuebingen
Classification: Likely benign. Last evaluated: 2025-01-01. Review status: criteria provided, single submitter. Criteria: CeGaT Center For Human Genetics Tuebingen Variant Classification Criteria Version 2. Collection method: clinical testing. Allele origin: germline. Affected: yes. Observed: 1 variant allele.
Comment: FANCA: BP4, BP7

Ambry Genetics
Classification: Likely benign for Inborn genetic diseases. Last evaluated: 2024-11-21. Review status: criteria provided, single submitter. Criteria: Ambry Variant Classification Scheme 2023. Collection method: clinical testing. Allele origin: germline.

Labcorp Genetics (formerly Invitae), Labcorp
Classification: Likely benign for Fanconi anemia. Last evaluated: 2024-10-15. Review status: criteria provided, single submitter. Criteria: Invitae Variant Classification Sherloc (09022015). Collection method: clinical testing. Allele origin: germline.

NM_000135.4(FANCA):c.1779C>A (p.Leu593=)

Gene: FANCA (FA complementation group A; minus strand). Cytogenetic location: 16q24.3.
Variant type: single nucleotide variant.
Coding change: c.1779C>A on transcript NM_000135.4 (MANE Select); coding-DNA position 1779, C replaced by A.
Protein change: p.Leu593=; no amino-acid change (leucine 593 retained).
Molecular consequence: synonymous variant.
Genome position (GRCh38, 1-based): chr16:89,778,848, G>T on the plus strand (C>A on the coding strand, the complement: FANCA is on the minus strand). VCF-style: chr16-89778848-G-T. GRCh37 (hg19) VCF-style: chr16-89845256-G-T.
Other names: c.1779C>A, p.Leu593= (NM_001286167.3); c.1779C>A (NM_000135.2).
Identifiers: ClinVar variation 1558741 (VCV001558741.22), dbSNP rs1016801509, ClinGen allele CA497187878.
Genomic context (GRCh38, chr16:89,778,848, plus strand): 5'-CGTTGCTGCATACCTCTTCAGAGACTCTATAAACGCCACACGGGAGTCAGGGACTTTGGG[G>T]AGCTGTGGGAAGAGAAGAGACCTGTGAGAGACTGACAAGGAAAGTCCTTGCTTTCTACAC-3'
Protein context (NP_000126.2, residues 583-603): FLPALLTPRV[Leu593=]PKVPDSRVAF